The following is an entry in ClinVar:

NM_001042492.3(NF1):c.734G>A (p.Cys245Tyr)

Gene: NF1 (neurofibromin 1; plus strand). Cytogenetic location: 17q11.2.
Variant type: single nucleotide variant.
Coding change: c.734G>A on transcript NM_001042492.3 (MANE Select); coding-DNA position 734, G replaced by A.
Protein change: p.Cys245Tyr; replaces cysteine 245 with tyrosine.
Molecular consequence: missense variant.
Genome position (GRCh38, 1-based): chr17:31,182,511, G>A. VCF-style: chr17-31182511-G-A. GRCh37 (hg19) VCF-style: chr17-29509529-G-A.
Other names: c.734G>A, p.Cys245Tyr (NM_000267.4, NM_001128147.3); short protein forms C245Y.
Identifiers: ClinVar variation 141601 (VCV000141601.12), dbSNP rs587781869, ClinGen allele CA165906.

ClinVar aggregate classification (germline): Conflicting classifications of pathogenicity. Review status: criteria provided, conflicting classifications (1 of 4 stars). 4 submissions from 3 submitters: Uncertain significance (3); Likely benign (1). Last evaluated 2025-01-29.

Conditions:
Hereditary cancer-predisposing syndrome. Also called: Neoplastic Syndromes, Hereditary; Hereditary Cancer Syndrome; Hereditary neoplastic syndrome; Tumor predisposition. Identifiers: Orphanet 140162, MedGen C0027672, MeSH D009386, MONDO:0015356.
Cardiovascular phenotype. Identifiers: MedGen CN230736.
Neurofibromatosis, type 1 (NF1). Also called: VON RECKLINGHAUSEN DISEASE; Neurofibromatosis, type I; NEUROFIBROMATOSIS, TYPE I, SOMATIC; Peripheral type neurofibromatosis. Identifiers: Orphanet 636, MedGen C0027831, MONDO:0018975, OMIM 162200. Disease mechanism: loss of function.

Allele frequency attached by ClinVar (database versions not stated): TOPMed below 0.00001; gnomAD exomes 0.00001 and below 0.00001.
gnomAD v4.1: 4 of 1,613,930 alleles (0.00025%); highest among the groups gnomAD compares: East Asian, 0.0022%; no homozygotes.

Submissions (4):

Labcorp Genetics (formerly Invitae), Labcorp
Classification: Likely benign for Neurofibromatosis, type 1. Last evaluated: 2025-01-29. Review status: criteria provided, single submitter. Criteria: Invitae Variant Classification Sherloc (09022015). Collection method: clinical testing. Allele origin: germline.

Genome-Nilou Lab
Classification: Uncertain significance for Neurofibromatosis, type 1. Last evaluated: 2022-03-15. Review status: criteria provided, single submitter. Criteria: ACMG Guidelines, 2015. Collection method: clinical testing. Allele origin: germline. Affected: no.

Ambry Genetics
Classification: Uncertain significance for Cardiovascular phenotype; Hereditary cancer-predisposing syndrome. Last evaluated: 2021-02-02. Review status: criteria provided, single submitter. Criteria: Ambry Variant Classification Scheme 2023. Collection method: clinical testing. Allele origin: germline.

Ambry Genetics
Classification: Uncertain significance for Hereditary cancer-predisposing syndrome. Last evaluated: 2015-04-16. Review status: criteria provided, single submitter. Criteria: Ambry Autosomal Dominant and X-Linked criteria (10/2015). Collection method: clinical testing. Allele origin: germline. Observed: 1 variant allele.
Comment: The p.C245Y variant (also known as c.734G>A), located in coding exon 8 of the NF1 gene, results from a G to A substitution at nucleotide position 734. The cysteine at codon 245 is replaced by tyrosine, an amino acid with highly dissimilar properties. This variant was not reported in population based cohorts in the following databases: Database of Single Nucleotide Polymorphisms (dbSNP), NHLBI Exome Sequencing Project (ESP), and 1000 Genomes Project. In the ESP, this variant was not observed in 6503 samples (13006 alleles) with coverage at this position. Todate, this alteration has been detected with an allele frequency of approximately 0.003% (greater than 30000 alleles tested) in our clinical cohort.This amino acid position is well conserved in available vertebrate species.In addition, the in silico prediction for this alteration is inconclusive.In addition, this alteration is predicted to decrease the efficiency of the native splice acceptor site by theBDGPandESEfinderinsilicomodels; however experimental evidence is not currently available.Since supporting evidence is limited at this time, the clinical significance of p.C245Y remains unclear.